The following is an entry in ClinVar:

ClinVar aggregate classification (germline): Uncertain significance. Review status: criteria provided, multiple submitters, no conflicts (2 of 4 stars). 2 submissions from 2 submitters: Uncertain significance (2). Last evaluated 2025-06-07.

Conditions:
Congenital myotonia, autosomal recessive form. Also called: Becker Generalized Myotonia; BECKER DISEASE; myotonia congenita, autosomal recessive. Identifiers: Orphanet 614, MedGen C0751360, MONDO:0009715, OMIM 255700.
Congenital myotonia, autosomal dominant form (THD). Also called: THOMSEN DISEASE; Myotonia congenita autosomal dominant. Identifiers: Orphanet 614, MedGen C2936781, MONDO:0008055, OMIM 160800.
Inborn genetic diseases. Identifiers: MedGen C0950123, MeSH D030342.

Allele frequency attached by ClinVar (database versions not stated): ExAC 0.00006; gnomAD 0.00001; gnomAD exomes 0.00002; TOPMed 0.00002.
gnomAD v4.1: 28 of 1,614,076 alleles (0.0017%); highest among the groups gnomAD compares: East Asian, 0.0067%; no homozygotes.

Submissions (2):

Labcorp Genetics (formerly Invitae), Labcorp
Classification: Uncertain significance for Congenital myotonia, autosomal recessive form; Congenital myotonia, autosomal dominant form. Last evaluated: 2025-06-07. Review status: criteria provided, single submitter. Criteria: Invitae Variant Classification Sherloc (09022015). Collection method: clinical testing. Allele origin: germline.
Comment: This sequence change replaces alanine, which is neutral and non-polar, with valine, which is neutral and non-polar, at codon 221 of the CLCN1 protein (p.Ala221Val). This variant is present in population databases (rs748415883, gnomAD 0.02%). This variant has not been reported in the literature in individuals affected with CLCN1-related conditions. ClinVar contains an entry for this variant (Variation ID: 1466753). Invitae Evidence Modeling of protein sequence and biophysical properties (such as structural, functional, and spatial information, amino acid conservation, physicochemical variation, residue mobility, and thermodynamic stability) has been performed for this missense variant. However, the output from this modeling did not meet the statistical confidence thresholds required to predict the impact of this variant on CLCN1 protein function. In summary, the available evidence is currently insufficient to determine the role of this variant in disease. Therefore, it has been classified as a Variant of Uncertain Significance.

Ambry Genetics
Classification: Uncertain significance for Inborn genetic diseases. Last evaluated: 2025-05-19. Review status: criteria provided, single submitter. Criteria: Ambry Variant Classification Scheme 2023. Collection method: clinical testing. Allele origin: germline.

NM_000083.3(CLCN1):c.662C>T (p.Ala221Val)

Gene: CLCN1 (chloride voltage-gated channel 1; plus strand). Cytogenetic location: 7q34.
Variant type: single nucleotide variant.
Coding change: c.662C>T on transcript NM_000083.3 (MANE Select); coding-DNA position 662, C replaced by T.
Protein change: p.Ala221Val; replaces alanine 221 with valine.
Molecular consequence: missense variant. On other transcripts: non-coding transcript variant (1).
Genome position (GRCh38, 1-based): chr7:143,321,814, C>T. VCF-style: chr7-143321814-C-T. GRCh37 (hg19) VCF-style: chr7-143018907-C-T.
Other names: c.662C>T (NM_000083.2); short protein forms A221V.
Identifiers: ClinVar variation 1466753 (VCV001466753.6), dbSNP rs748415883, ClinGen allele CA4537026.
Genomic context (GRCh38, chr7:143,321,814, plus strand): 5'-TTGTCCTGAAGGAATACCTCACAATGAAAGCCTTTGTGGCCAAGGTTGTCGCCCTGACTG[C>T]GGGCCTGGGCAGTGGCATCCCCGTGGGGAAAGAGGTAGGCCTGGCATGACTGAAGCCAGA-3'
Protein context (NP_000074.3, residues 211-231): AFVAKVVALT[Ala221Val]GLGSGIPVGK